The following is an entry in ClinVar:

ClinVar aggregate classification (germline): Uncertain significance. Review status: criteria provided, multiple submitters, no conflicts (2 of 4 stars). 2 submissions from 2 submitters: Uncertain significance (2). Last evaluated 2025-08-11.

Conditions:
Short-rib thoracic dysplasia 8 with or without polydactyly (SRTD8). Also called: SHORT-RIB THORACIC DYSPLASIA 8 WITH POLYDACTYLY. Identifiers: Orphanet 93271, MedGen C3809691, MONDO:0014214, OMIM 615503.
Inborn genetic diseases. Identifiers: MedGen C0950123, MeSH D030342.

Allele frequency attached by ClinVar (database versions not stated): TOPMed 0.00002; gnomAD 0.00004; gnomAD exomes 0.00004 and 0.00008; ExAC 0.00008.
gnomAD v4.1: 122 of 1,552,012 alleles (0.0079%); highest among the groups gnomAD compares: Non-Finnish European, 0.01%; no homozygotes.

Submissions (2):

Ambry Genetics
Classification: Uncertain significance for Inborn genetic diseases. Last evaluated: 2025-08-11. Review status: criteria provided, single submitter. Criteria: Ambry Variant Classification Scheme 2023. Collection method: clinical testing. Allele origin: germline.

Labcorp Genetics (formerly Invitae), Labcorp
Classification: Uncertain significance for Short-rib thoracic dysplasia 8 with or without polydactyly. Last evaluated: 2022-07-05. Review status: criteria provided, single submitter. Criteria: Invitae Variant Classification Sherloc (09022015). Collection method: clinical testing. Allele origin: germline.
Comment: ClinVar contains an entry for this variant (Variation ID: 1680722). In summary, the available evidence is currently insufficient to determine the role of this variant in disease. Therefore, it has been classified as a Variant of Uncertain Significance. Algorithms developed to predict the effect of missense changes on protein structure and function are either unavailable or do not agree on the potential impact of this missense change (SIFT: "Tolerated"; PolyPhen-2: "Probably Damaging"; Align-GVGD: "Class C0"). This variant has not been reported in the literature in individuals affected with WDR60-related conditions. This variant is present in population databases (rs770977639, gnomAD 0.01%). This sequence change replaces proline, which is neutral and non-polar, with serine, which is neutral and polar, at codon 923 of the WDR60 protein (p.Pro923Ser).

NM_018051.5(DYNC2I1):c.2767C>T (p.Pro923Ser)

Gene: DYNC2I1 (dynein 2 intermediate chain 1; plus strand). Cytogenetic location: 7q36.3.
Variant type: single nucleotide variant.
Coding change: c.2767C>T on transcript NM_018051.5 (MANE Select); coding-DNA position 2767, C replaced by T.
Protein change: p.Pro923Ser; replaces proline 923 with serine.
Molecular consequence: missense variant.
Genome position (GRCh38, 1-based): chr7:158,934,538, C>T. VCF-style: chr7-158934538-C-T. GRCh37 (hg19) VCF-style: chr7-158727229-C-T.
Other names: c.2629C>T, p.Pro877Ser (NM_001350914.2); c.2194C>T, p.Pro732Ser (NM_001350915.2); c.1306C>T, p.Pro436Ser (NM_001350916.2); c.1519C>T, p.Pro507Ser (NM_001350917.2, NM_001350918.2); c.2767C>T (NM_018051.4); short protein forms P436S, P507S, P732S, P877S, P923S.
Identifiers: ClinVar variation 1680722 (VCV001680722.7), dbSNP rs770977639, ClinGen allele CA4595079.